The following is an entry in ClinVar:

NC_000016.9:g.(?_2138708)_(2150568_2152061)del

Genes: MIR1225 (microRNA 1225; minus strand), PKD1 (polycystin 1, transient receptor potential channel interacting; minus strand), TSC2 (TSC complex subunit 2; plus strand). Cytogenetic location: 16p13.3.
Variant type: Deletion.
Identifiers: ClinVar variation 3366483 (VCV003366483.1).

ClinVar aggregate classification (germline): Pathogenic (1 of 4 stars; one submission).

Conditions:
Polycystic kidney disease, adult type (PKD1). Also called: Polycystic Kidney, Autosomal Dominant; POLYCYSTIC KIDNEY DISEASE 1 WITH OR WITHOUT POLYCYSTIC LIVER DISEASE; POLYCYSTIC KIDNEY DISEASE, ADULT, TYPE I; Polycystic Kidney Disease 1, Autosomal Dominant; Polycystic kidney disease 1; Polycystic kidney disease 1, severe. Identifiers: MedGen C3149841, MONDO:0008263, OMIM 173900.

Submission:

Women's Health and Genetics/Laboratory Corporation of America, LabCorp
Classification: Pathogenic for Polycystic kidney disease, adult type. Last evaluated: 2024-08-06. Review status: criteria provided, single submitter. Criteria: LabCorp Variant Classification Summary - May 2015. Collection method: clinical testing. Allele origin: germline.
Comment: Variant summary: The variant involves the deletion of exons 27-46 in the PKD1 gene. A presumed nomenclature of c.(9397+1_9398-1)_(*1020_?)del has been designated for the purposes of this classification. The exact breakpoint at the distal 3' end of this variant is unknown, therefore this deletion may extend downstream of the annotated region of the gene. As it encompasses the termination codon, it is predicted to escape nonsense mediated decay (NMD). The variant was absent in 21684 control chromosomes (gnomAD Structural Variants database). Deletion of exon 27-46 has been reported in the literature (as a part of a larger deletion that also included TSC2), in an individual affected with TSC2/PKD1 contiguous gene deletion syndrome (example: Matsubara_2021). Additionally, another variant (c.11249G>A; p.Arg3750Gln) within the deleted region has been classified as pathogenic by our laboratory, indicating the functional significance of the deleted protein region. To our knowledge, no experimental evidence demonstrating an impact on protein function has been reported. The following publication have been ascertained in the context of this evaluation (PMID: 33581549). No submitters have cited clinical-significance assessments for this variant to ClinVar. Based on the evidence outlined above, the variant was classified as pathogenic.

Literature cited by the submitters: PubMed 33581549.